The following is an entry in ClinVar:

NM_000038.6(APC):c.4213G>T (p.Val1405Phe)

Gene: APC (APC regulator of Wnt signaling pathway; plus strand). Cytogenetic location: 5q22.2.
Variant type: single nucleotide variant.
Coding change: c.4213G>T on transcript NM_000038.6 (MANE Select); coding-DNA position 4213, G replaced by T.
Protein change: p.Val1405Phe; replaces valine 1405 with phenylalanine.
Molecular consequence: missense variant.
Genome position (GRCh38, 1-based): chr5:112,839,807, G>T. VCF-style: chr5-112839807-G-T. GRCh37 (hg19) VCF-style: chr5-112175504-G-T.
Other names: c.4213G>T, p.Val1405Phe (NM_001127510.3, NM_001354895.2, NM_001407450.1); c.4159G>T, p.Val1387Phe (NM_001127511.3); c.4267G>T, p.Val1423Phe (NM_001354896.2, NM_001407447.1, NM_001407448.1 and 1 more transcripts); c.4243G>T, p.Val1415Phe (NM_001354897.2); c.4138G>T, p.Val1380Phe (NM_001354898.2); c.4129G>T, p.Val1377Phe (NM_001354899.2); c.4090G>T, p.Val1364Phe (NM_001354900.2); c.4036G>T, p.Val1346Phe (NM_001354901.2, NM_001407453.1); and 11 more; short protein forms V1021F, V1122F, V1245F, V1276F, V1279F, V1304F, V1314F, V1322F.
Identifiers: ClinVar variation 1721513 (VCV001721513.9), dbSNP rs761966904, ClinGen allele CA16030562.
Genomic context (GRCh38, chr5:112,839,807, plus strand): 5'-AGCAGATGTACTTCTGTCAGTTCACTTGATAGTTTTGAGAGTCGTTCGATTGCCAGCTCC[G>T]TTCAGAGTGAACCATGCAGTGGAATGGTAAGTGGCATTATAAGCCCCAGTGATCTTCCAG-3'
Protein context (NP_000029.2, residues 1395-1415): SFESRSIASS[Val1405Phe]QSEPCSGMVS

ClinVar aggregate classification (germline): Uncertain significance. Review status: criteria provided, multiple submitters, no conflicts (2 of 4 stars). 2 submissions from 2 submitters: Uncertain significance (2). Last evaluated 2024-07-29.

Conditions:
Hereditary cancer-predisposing syndrome. Also called: Hereditary neoplastic syndrome; Neoplastic Syndromes, Hereditary; Hereditary Cancer Syndrome; Tumor predisposition. Identifiers: Orphanet 140162, MedGen C0027672, MeSH D009386, MONDO:0015356.
Familial adenomatous polyposis 1 (FAP1). Also called: FAMILIAL ADENOMATOUS POLYPOSIS 1, ATTENUATED; POLYPOSIS, ADENOMATOUS INTESTINAL. Identifiers: MedGen C2713442, MONDO:0021056, OMIM 175100. Disease mechanism: loss of function.

Submissions (2):

Ambry Genetics
Classification: Uncertain significance for Hereditary cancer-predisposing syndrome. Last evaluated: 2024-07-29. Review status: criteria provided, single submitter. Criteria: Ambry Variant Classification Scheme 2023. Collection method: clinical testing. Allele origin: germline.
Comment: The p.V1405F variant (also known as c.4213G>T), located in coding exon 15 of the APC gene, results from a G to T substitution at nucleotide position 4213. The valine at codon 1405 is replaced by phenylalanine, an amino acid with highly similar properties. This amino acid position is highly conserved in available vertebrate species. In addition, in silico predictors for this gene do not accurately predict pathogenicity. Missense alterations in APC are not a common cause of disease (Spier I et al. Genet Med. 2024 Feb;26(2):100992). Based on the available evidence, the clinical significance of this variant remains unclear.

Labcorp Genetics (formerly Invitae), Labcorp
Classification: Uncertain significance for Familial adenomatous polyposis 1. Last evaluated: 2023-08-05. Review status: criteria provided, single submitter. Criteria: Invitae Variant Classification Sherloc (09022015). Collection method: clinical testing. Allele origin: germline.
Comment: This variant is not present in population databases (gnomAD no frequency). This sequence change replaces valine, which is neutral and non-polar, with phenylalanine, which is neutral and non-polar, at codon 1405 of the APC protein (p.Val1405Phe). This variant has not been reported in the literature in individuals affected with APC-related conditions. In summary, the available evidence is currently insufficient to determine the role of this variant in disease. Therefore, it has been classified as a Variant of Uncertain Significance. Advanced modeling of protein sequence and biophysical properties (such as structural, functional, and spatial information, amino acid conservation, physicochemical variation, residue mobility, and thermodynamic stability) performed at Invitae indicates that this missense variant is not expected to disrupt APC protein function. ClinVar contains an entry for this variant (Variation ID: 1721513).